The following is an entry in ClinVar:

ClinVar aggregate classification (germline): Uncertain significance (1 of 4 stars; one submission).

Conditions:
Hereditary cancer-predisposing syndrome. Also called: Hereditary Cancer Syndrome; Hereditary neoplastic syndrome; Neoplastic Syndromes, Hereditary; Tumor predisposition. Identifiers: Orphanet 140162, MedGen C0027672, MeSH D009386, MONDO:0015356.

Submission:

Ambry Genetics
Classification: Uncertain significance for Hereditary cancer-predisposing syndrome. Last evaluated: 2025-06-19. Review status: criteria provided, single submitter. Criteria: Ambry Variant Classification Scheme 2023. Collection method: clinical testing. Allele origin: germline.
Comment: The p.P65R variant (also known as c.194C>G), located in coding exon 2 of the FANCC gene, results from a C to G substitution at nucleotide position 194. The proline at codon 65 is replaced by arginine, an amino acid with dissimilar properties. This amino acid position is conserved. In addition, this alteration is predicted to be deleterious by in silico analysis. Based on the available evidence, the clinical significance of this variant remains unclear.

NM_000136.3(FANCC):c.194C>G (p.Pro65Arg)

Gene: FANCC (FA complementation group C; minus strand). Cytogenetic location: 9q22.32.
Variant type: single nucleotide variant.
Coding change: c.194C>G on transcript NM_000136.3 (MANE Select); coding-DNA position 194, C replaced by G.
Protein change: p.Pro65Arg; replaces proline 65 with arginine.
Molecular consequence: missense variant.
Genome position (GRCh38, 1-based): chr9:95,247,488, G>C on the plus strand (C>G on the coding strand, the complement: FANCC is on the minus strand). VCF-style: chr9-95247488-G-C. GRCh37 (hg19) VCF-style: chr9-98009770-G-C.
Other names: c.194C>G, p.Pro65Arg (NM_001243743.2, NM_001243744.2); short protein forms P65R.
Identifiers: ClinVar variation 4254374 (VCV004254374.1).